The following is an entry in ClinVar:

ClinVar aggregate classification (germline): Uncertain significance. Review status: criteria provided, multiple submitters, no conflicts (2 of 4 stars). 2 submissions from 2 submitters: Uncertain significance (2). Last evaluated 2023-12-27.

Conditions:
Developmental and epileptic encephalopathy, 11 (DEE11). Also called: Early infantile epileptic encephalopathy 11. Identifiers: Orphanet 1934, MedGen C3150987, MONDO:0013388, OMIM 613721.
Seizures, benign familial infantile, 3 (BFIS3). Also called: Familial neonatal seizures; CONVULSIONS, BENIGN FAMILIAL INFANTILE, 3. Identifiers: Orphanet 140927, Orphanet 306, MedGen C1843140, MONDO:0011904, OMIM 607745.

Allele frequency attached by ClinVar (database versions not stated): gnomAD exomes below 0.00001; gnomAD 0.00001; TOPMed 0.00001.
gnomAD v4.1: 7 of 1,614,030 alleles (0.00043%); highest among the groups gnomAD compares: African/African-American, 0.0027%; no homozygotes.

Submissions (2):

Labcorp Genetics (formerly Invitae), Labcorp
Classification: Uncertain significance for Seizures, benign familial infantile, 3; Developmental and epileptic encephalopathy, 11. Last evaluated: 2023-12-27. Review status: criteria provided, single submitter. Criteria: Invitae Variant Classification Sherloc (09022015). Collection method: clinical testing. Allele origin: germline.
Comment: This sequence change replaces arginine, which is basic and polar, with glycine, which is neutral and non-polar, at codon 583 of the SCN2A protein (p.Arg583Gly). This variant is not present in population databases (gnomAD no frequency). This variant has not been reported in the literature in individuals affected with SCN2A-related conditions. ClinVar contains an entry for this variant (Variation ID: 992742). Advanced modeling of protein sequence and biophysical properties (such as structural, functional, and spatial information, amino acid conservation, physicochemical variation, residue mobility, and thermodynamic stability) has been performed at Invitae for this missense variant, however the output from this modeling did not meet the statistical confidence thresholds required to predict the impact of this variant on SCN2A protein function. In summary, the available evidence is currently insufficient to determine the role of this variant in disease. Therefore, it has been classified as a Variant of Uncertain Significance.

New York Genome Center
Classification: Uncertain significance for Developmental and epileptic encephalopathy, 11; Seizures, benign familial infantile, 3. Last evaluated: 2019-07-11. Review status: criteria provided, single submitter. Criteria: NYGC Assertion Criteria 2020. Collection method: clinical testing. Allele origin: germline. Observed: 1 heterozygote. Study: CSER-NYCKidSeq.

NM_001040142.2(SCN2A):c.1747C>G (p.Arg583Gly)

Gene: SCN2A (sodium voltage-gated channel alpha subunit 2; plus strand). Cytogenetic location: 2q24.3.
Variant type: single nucleotide variant.
Coding change: c.1747C>G on transcript NM_001040142.2 (MANE Select); coding-DNA position 1747, C replaced by G.
Protein change: p.Arg583Gly; replaces arginine 583 with glycine.
Molecular consequence: missense variant.
Genome position (GRCh38, 1-based): chr2:165,323,231, C>G. VCF-style: chr2-165323231-C-G. GRCh37 (hg19) VCF-style: chr2-166179741-C-G.
Other names: c.1747C>G, p.Arg583Gly (NM_001040143.2, NM_001371246.1, NM_001371247.1 and 1 more transcripts); short protein forms R583G.
Identifiers: ClinVar variation 992742 (VCV000992742.7), dbSNP rs1553571901, ClinGen allele CA349026581.
Genomic context (GRCh38, chr2:165,323,231, plus strand): 5'-CGTGGCTCCCTTTTCTCTCCAAGACGCAACAGTAGGGCGAGCCTTTTCAGCTTCAGAGGT[C>G]GAGCAAAGGACATTGGCTCTGAGAATGACTTTGCTGATGATGAGCACAGCACCTTTGAGG-3'
Protein context (NP_001035232.1, residues 573-593): SRASLFSFRG[Arg583Gly]AKDIGSENDF